The following is an entry in ClinVar:

NM_001008537.3(NEXMIF):c.3231del (p.Ser1078fs)

Gene: NEXMIF (neurite extension and migration factor; minus strand). Cytogenetic location: Xq13.3.
Variant type: Deletion.
Coding change: c.3231del on transcript NM_001008537.3 (MANE Select); coding-DNA position 3231, one base deleted (T; older notation c.3231delT).
Protein change: p.Ser1078fs; shifts the reading frame from serine 1078.
Molecular consequence: frameshift variant.
Genome position (GRCh38, 1-based): chrX:74,741,326, A deleted on the plus strand (T on the coding strand, the reverse complement: NEXMIF is on the minus strand). VCF-style (leftmost placement, unchanged base first): chrX-74741325-TA-T. GRCh37 (hg19) VCF-style: chrX-73961160-TA-T.
Other names: short protein forms S1078fs.
Identifiers: ClinVar variation 4891539 (VCV004891539.1).
Genomic context (GRCh38, chrX:74,741,325, plus strand): 5'-ACCCCTTTAGTGTTCCTAGTGTCTTCATACTCTCACATCTGGTAATTTGAGGGGAAAGAC[TA>T]GGGGTGTCCGGTGGGGACATCTCTGAAAGGGAAGAGTGGCGGAATTTGTCAGGGGTGAAG-3'

ClinVar aggregate classification (germline): Pathogenic (1 of 4 stars; one submission).

Conditions:
X-linked intellectual disability, Cantagrel type (XLID98). Also called: INTELLECTUAL DEVELOPMENTAL DISORDER, X-LINKED 98. Identifiers: Orphanet 85277, MedGen C3806730, MONDO:0010483, OMIM 300912.

Submission:

Clinical Genetics Laboratory, University Hospital Schleswig-Holstein
Classification: Pathogenic for X-linked intellectual disability, Cantagrel type. Last evaluated: 2025-12-12. Review status: criteria provided, single submitter. Criteria: ACMG Guidelines, 2015. Collection method: clinical testing. Allele origin: de novo. Affected: yes. Observed: 1 heterozygote.
Comment: ACMG criteria applied: PM2, PVS1, PS2_Supporting